The following is an entry in ClinVar:

NM_000257.4(MYH7):c.4800C>T (p.Ser1600=)

Genes: MHRT (myosin heavy chain associated RNA transcript; plus strand), MYH7 (myosin heavy chain 7; minus strand), LOC126861897 (BRD4-independent group 4 enhancer GRCh37_chr14:23884455-23885654; plus strand). Cytogenetic location: 14q11.2.
Variant type: single nucleotide variant.
Coding change: c.4800C>T on transcript NM_000257.4 (MANE Select); coding-DNA position 4800, C replaced by T.
Protein change: p.Ser1600=; no amino-acid change (serine 1600 retained).
Molecular consequence: synonymous variant. On other transcripts: non-coding transcript variant (1).
Genome position (GRCh38, 1-based): chr14:23,416,157, G>A on the plus strand (C>T on the coding strand, the complement: MYH7 is on the minus strand). VCF-style: chr14-23416157-G-A. GRCh37 (hg19) VCF-style: chr14-23885366-G-A.
Other names: c.4800C>T (LRG_384t1).
Identifiers: ClinVar variation 383852 (VCV000383852.8), dbSNP rs1057521761, ClinGen allele CA16606527.

ClinVar aggregate classification (germline): Likely benign. Review status: criteria provided, multiple submitters, no conflicts (2 of 4 stars). 5 submissions from 5 submitters: Likely benign (4). 1 of the submissions does not count toward it. Last evaluated 2024-01-12.

Conditions:
MYH7-related disorder. Also called: MYH7-related disorders; MYH7-related condition; MYH7-related disease.
Hypertrophic cardiomyopathy. Also called: HYPERTROPHIC MYOCARDIOPATHY. Identifiers: Orphanet 217569, MedGen C0007194, MeSH D002312, MONDO:0005045, HP:0001639.
Cardiomyopathy (CMYO). Also called: Cardiomyopathies. Identifiers: Orphanet 167848, MedGen C0878544, MONDO:0004994, HP:0001638. Inheritance: Various modes of inheritance.

Allele frequency attached by ClinVar (database versions not stated): TOPMed below 0.00001; gnomAD exomes below 0.00001.
gnomAD v4.1: 2 of 1,614,182 alleles (0.00012%); highest among the groups gnomAD compares: Non-Finnish European, 0.00017%; no homozygotes.

Submissions (5):

Blueprint Genetics
Classification: Likely benign. Last evaluated: 2024-01-12. Review status: criteria provided, single submitter. Criteria: ACMG Guidelines, 2015. Collection method: clinical testing. Allele origin: germline.

Labcorp Genetics (formerly Invitae), Labcorp
Classification: Likely benign for Hypertrophic cardiomyopathy. Last evaluated: 2022-12-31. Review status: criteria provided, single submitter. Criteria: Invitae Variant Classification Sherloc (09022015). Collection method: clinical testing. Allele origin: germline.

Color Diagnostics, LLC DBA Color Health
Classification: Likely benign for Cardiomyopathy. Last evaluated: 2019-09-30. Review status: criteria provided, single submitter. Criteria: ACMG Guidelines, 2015. Collection method: clinical testing. Allele origin: germline.

GeneDx
Classification: Likely benign. Last evaluated: 2016-02-23. Review status: criteria provided, single submitter. Criteria: GeneDx Variant Classification (06012015). Collection method: clinical testing. Allele origin: germline. Affected: yes.
Comment: This variant is considered likely benign or benign based on one or more of the following criteria: it is a conservative change, it occurs at a poorly conserved position in the protein, it is predicted to be benign by multiple in silico algorithms, and/or has population frequency not consistent with disease.

PreventionGenetics, part of Exact Sciences
Classification: Likely benign for MYH7-related condition. Last evaluated: 2020-09-30. Review status: no assertion criteria provided. Collection method: clinical testing. Allele origin: germline. Not counted in ClinVar's aggregate classification.
Comment: This variant is classified as likely benign based on ACMG/AMP sequence variant interpretation guidelines (Richards et al. 2015 PMID: 25741868, with internal and published modifications).